The following is an entry in ClinVar:

ClinVar aggregate classification (germline): Uncertain significance (1 of 4 stars; one submission).

Submission:

GeneDx
Classification: Uncertain significance. Last evaluated: 2024-05-16. Review status: criteria provided, single submitter. Criteria: GeneDx Variant Classification Process June 2021. Collection method: clinical testing. Allele origin: germline. Affected: yes.
Comment: Stop codon loss and change to a Cys codon, leading to protein extension and the addition of 13 amino acids at the C-terminus; Not observed at significant frequency in large population cohorts (gnomAD); Has not been previously published as pathogenic or benign to our knowledge

NM_000381.4(MID1):c.2004A>C (p.Ter668Cys)

Genes: MID1 (midline 1; minus strand), LOC126863207 (BRD4-independent group 4 enhancer GRCh37_chrX:10416979-10418178; plus strand). Cytogenetic location: Xp22.2.
Variant type: single nucleotide variant.
Coding change: c.2004A>C on transcript NM_000381.4 (MANE Select); coding-DNA position 2004, A replaced by C.
Protein change: p.Ter668Cys.
Molecular consequence: stop lost.
Genome position (GRCh38, 1-based): chrX:10,449,368, T>G on the plus strand (A>C on the coding strand, the complement: MID1 is on the minus strand). VCF-style: chrX-10449368-T-G. GRCh37 (hg19) VCF-style: chrX-10417408-T-G.
Other names: c.2004A>C, p.Ter668Cys (NM_001098624.2, NM_001193277.1, NM_001347733.2 and 1 more transcripts); c.1890A>C, p.Ter630Cys (NM_033289.2).
Identifiers: ClinVar variation 3381465 (VCV003381465.1).